The following is an entry in ClinVar:

ClinVar aggregate classification (germline): Uncertain significance (1 of 4 stars; one submission).

Conditions:
Hereditary nonpolyposis colorectal neoplasms. Identifiers: MedGen C0009405, MeSH D003123.

Submission:

Labcorp Genetics (formerly Invitae), Labcorp
Classification: Uncertain significance for Hereditary nonpolyposis colorectal neoplasms. Last evaluated: 2017-05-20. Review status: criteria provided, single submitter. Criteria: Invitae Variant Classification Sherloc (09022015). Collection method: clinical testing. Allele origin: germline.
Comment: In summary, this variant has uncertain impact on PMS2 function. The available evidence is currently insufficient to determine its role in disease. Therefore, it has been classified as a Variant of Uncertain Significance. Algorithms developed to predict the effect of missense changes on protein structure and function (SIFT, PolyPhen-2, Align-GVGD) all suggest that this variant is likely to be disruptive, but these predictions have not been confirmed by published functional studies and their clinical significance is uncertain. This variant has not been reported in the literature in individuals with a PMS2-related disease. This variant is not present in population databases (ExAC no frequency). This sequence change replaces tyrosine with serine at codon 313 of the PMS2 protein (p.Tyr313Ser). The tyrosine residue is highly conserved and there is a large physicochemical difference between tyrosine and serine.

NM_000535.7(PMS2):c.938A>C (p.Tyr313Ser)

Gene: PMS2 (PMS1 homolog 2, mismatch repair system component; minus strand). Cytogenetic location: 7p22.1.
Variant type: single nucleotide variant.
Coding change: c.938A>C on transcript NM_000535.7 (MANE Select); coding-DNA position 938, A replaced by C.
Protein change: p.Tyr313Ser; replaces tyrosine 313 with serine.
Molecular consequence: missense variant. On other transcripts: non-coding transcript variant (1).
Genome position (GRCh38, 1-based): chr7:5,992,023, T>G on the plus strand (A>C on the coding strand, the complement: PMS2 is on the minus strand). VCF-style: chr7-5992023-T-G. GRCh37 (hg19) VCF-style: chr7-6031654-T-G.
Other names: c.533A>C, p.Tyr178Ser (NM_001322003.2, NM_001322004.2, NM_001322005.2 and 2 more transcripts); c.938A>C, p.Tyr313Ser (NM_001322006.2, NM_001322014.2); c.620A>C, p.Tyr207Ser (NM_001322007.2, NM_001322008.2); c.5A>C, p.Tyr2Ser (NM_001322011.2, NM_001322012.2); c.365A>C, p.Tyr122Ser (NM_001322013.2); c.629A>C, p.Tyr210Ser (NM_001322015.2); short protein forms Y313S, Y178S, Y210S, Y2S, Y122S, Y207S.
Identifiers: ClinVar variation 455750 (VCV000455750.8), dbSNP rs587782513, ClinGen allele CA366743157.